The following is an entry in ClinVar:

NM_015021.3(ZNF292):c.7934G>C (p.Cys2645Ser)

Gene: ZNF292 (zinc finger protein 292; plus strand). Cytogenetic location: 6q14.3.
Variant type: single nucleotide variant.
Coding change: c.7934G>C on transcript NM_015021.3 (MANE Select); coding-DNA position 7934, G replaced by C.
Protein change: p.Cys2645Ser; replaces cysteine 2645 with serine.
Molecular consequence: missense variant.
Genome position (GRCh38, 1-based): chr6:87,261,563, G>C. VCF-style: chr6-87261563-G-C. GRCh37 (hg19) VCF-style: chr6-87971281-G-C.
Other names: c.7514G>C, p.Cys2505Ser (NM_001351444.2); short protein forms C2645S, C2505S.
Identifiers: ClinVar variation 3194990 (VCV003194990.9), dbSNP rs201876927, ClinGen allele CA3914882.

ClinVar aggregate classification (germline): Likely benign. Review status: criteria provided, multiple submitters, no conflicts (2 of 4 stars). 2 submissions from 2 submitters: Likely benign (2). Last evaluated 2025-06-01.

Conditions:
Inborn genetic diseases. Identifiers: MedGen C0950123, MeSH D030342.

Allele frequency attached by ClinVar (database versions not stated): gnomAD 0.00020; ExAC 0.00026; gnomAD exomes 0.00027; TOPMed 0.00028; ESP Exome Variant Server 0.00034.
gnomAD v4.1: 429 of 1,610,236 alleles (0.027%); highest among the groups gnomAD compares: Admixed American, 0.037%; no homozygotes.

Submissions (2):

CeGaT Center for Human Genetics Tuebingen
Classification: Likely benign. Last evaluated: 2025-06-01. Review status: criteria provided, single submitter. Criteria: CeGaT Center For Human Genetics Tuebingen Variant Classification Criteria Version 2. Collection method: clinical testing. Allele origin: germline. Affected: yes. Observed: 1 variant allele.
Comment: ZNF292: BP4, BS1

Ambry Genetics
Classification: Likely benign for Inborn genetic diseases. Last evaluated: 2024-01-03. Review status: criteria provided, single submitter. Criteria: Ambry Variant Classification Scheme 2023. Collection method: clinical testing. Allele origin: germline.